The following is an entry in ClinVar:

NM_018055.5(NODAL):c.397C>T (p.Gln133Ter)

Gene: NODAL (nodal growth differentiation factor; minus strand). Cytogenetic location: 10q22.1.
Variant type: single nucleotide variant.
Coding change: c.397C>T on transcript NM_018055.5 (MANE Select); coding-DNA position 397, C replaced by T.
Protein change: p.Gln133Ter; replaces glutamine 133 with a stop codon.
Molecular consequence: nonsense. On other transcripts: 5 prime UTR variant (1).
Genome position (GRCh38, 1-based): chr10:70,435,780, G>A on the plus strand (C>T on the coding strand, the complement: NODAL is on the minus strand). VCF-style: chr10-70435780-G-A. GRCh37 (hg19) VCF-style: chr10-72195536-G-A.
Other names: c.-3C>T (NM_001329906.2); short protein forms Q133*.
Identifiers: ClinVar variation 545545 (VCV000545545.7), dbSNP rs1447874899, ClinGen allele CA376946404.

ClinVar aggregate classification (germline): Pathogenic. Review status: criteria provided, single submitter (1 of 4 stars). 2 submissions from 2 submitters: Pathogenic (1). 1 of the submissions does not count toward it. Last evaluated 2021-11-20.

Conditions:
Heterotaxy, visceral, 5, autosomal (HTX5). Also called: Heterotaxy, visceral, 5. Identifiers: Orphanet 450, MedGen C3495537, MONDO:0700112, OMIM 270100.

Submissions (2):

Labcorp Genetics (formerly Invitae), Labcorp
Classification: Pathogenic for Heterotaxy, visceral, 5, autosomal. Last evaluated: 2021-11-20. Review status: criteria provided, single submitter. Criteria: Invitae Variant Classification Sherloc (09022015). Collection method: clinical testing. Allele origin: germline.
Comment: This sequence change creates a premature translational stop signal (p.Gln133*) in the NODAL gene. It is expected to result in an absent or disrupted protein product. Loss-of-function variants in NODAL are known to be pathogenic (PMID: 19064609, 19933292). For these reasons, this variant has been classified as Pathogenic. ClinVar contains an entry for this variant (Variation ID: 545545). This premature translational stop signal has been observed in individual(s) with congenital heart defect(s) (PMID: 29368431). This variant is present in population databases (no rsID available, gnomAD 0.0009%).

Lupski Lab, Baylor-Hopkins CMG, Baylor College of Medicine
Classification: Uncertain significance for Heterotaxy, visceral, 5, autosomal. Last evaluated: 2018-05-28. Review status: no assertion criteria provided. Collection method: research. Allele origin: germline. Affected: yes. Observed: 1 variant allele. Not counted in ClinVar's aggregate classification.

Literature cited by the submitters: PubMed 19064609 (cited by Labcorp Genetics (formerly Invitae), Labcorp); PubMed 19933292 (cited by Labcorp Genetics (formerly Invitae), Labcorp); PubMed 29368431 (cited by Labcorp Genetics (formerly Invitae), Labcorp).